The following is an entry in ClinVar:

ClinVar aggregate classification (germline): Likely benign. Review status: criteria provided, multiple submitters, no conflicts (2 of 4 stars). 2 submissions from 2 submitters: Likely benign (2). Last evaluated 2026-04-01.

Submissions (2):

CeGaT Center for Human Genetics Tuebingen
Classification: Likely benign. Last evaluated: 2026-04-01. Review status: criteria provided, single submitter. Criteria: CeGaT Center For Human Genetics Tuebingen Variant Classification Criteria Version 2. Collection method: clinical testing. Allele origin: germline. Affected: yes. Observed: 1 variant allele.
Comment: RP1L1: BP4, BP7

Blueprint Genetics
Classification: Likely benign. Last evaluated: 2024-01-04. Review status: criteria provided, single submitter. Criteria: ACMG Guidelines, 2015. Collection method: clinical testing. Allele origin: germline.

NM_178857.6(RP1L1):c.1842C>A (p.Gly614=)

Gene: RP1L1 (RP1 like 1). Cytogenetic location: 8p23.1.
Variant type: single nucleotide variant.
Coding change: c.1842C>A on transcript NM_178857.6 (MANE Select); coding-DNA position 1842, C replaced by A.
Protein change: p.Gly614=; no amino-acid change (glycine 614 retained).
Molecular consequence: synonymous variant.
Genome position (GRCh38, 1-based): chr8:10,612,256, G>T on the plus strand (C>A on the coding strand, the complement: RP1L1 is on the minus strand). VCF-style: chr8-10612256-G-T. GRCh37 (hg19) VCF-style: chr8-10469766-G-T.
Identifiers: ClinVar variation 4872382 (VCV004872382.3).
Genomic context (GRCh38, chr8:10,612,256, plus strand): 5'-GGATGAAGTGCAGGTGGAAGGGGTGGAAGAGGCTCCTTCCGAGTCCCAGGAGCAGGAAAG[G>T]CCCAGAACCAGAGGCTCCCTTGTCACAGCCGCTCCCGTGGCCTGCTCGGTGCCCTGTCCT-3'
Protein context (NP_849188.4, residues 604-624): AAVTREPLVL[Gly614=]LSCSWDSEGA